The following is an entry in ClinVar:

ClinVar aggregate classification (germline): Uncertain significance (1 of 4 stars; one submission).

gnomAD v4.1: 1 of 1,587,476 alleles (0.000063%); highest among the groups gnomAD compares: African/African-American, 0.0013%; no homozygotes.

Submission:

GeneDx
Classification: Uncertain significance. Last evaluated: 2024-03-19. Review status: criteria provided, single submitter. Criteria: GeneDx Variant Classification Process June 2021. Collection method: clinical testing. Allele origin: germline. Affected: yes.
Comment: Not observed at significant frequency in large population cohorts (gnomAD); In silico analysis supports that this missense variant does not alter protein structure/function; Has not been previously published as pathogenic or benign to our knowledge

NM_001009944.3(PKD1):c.3190C>T (p.Leu1064Phe)

Gene: PKD1 (polycystin 1, transient receptor potential channel interacting; minus strand). Cytogenetic location: 16p13.3.
Variant type: single nucleotide variant.
Coding change: c.3190C>T on transcript NM_001009944.3 (MANE Select); coding-DNA position 3190, C replaced by T.
Protein change: p.Leu1064Phe; replaces leucine 1064 with phenylalanine.
Molecular consequence: missense variant.
Genome position (GRCh38, 1-based): chr16:2,112,445, G>A on the plus strand (C>T on the coding strand, the complement: PKD1 is on the minus strand). VCF-style: chr16-2112445-G-A. GRCh37 (hg19) VCF-style: chr16-2162446-G-A.
Other names: c.3190C>T, p.Leu1064Phe (NM_000296.4); short protein forms L1064F.
Identifiers: ClinVar variation 3371084 (VCV003371084.1).